The following is an entry in ClinVar:

ClinVar aggregate classification (germline): Likely pathogenic (1 of 4 stars; one submission).

Conditions:
Peroxisome biogenesis disorder. Identifiers: Orphanet 79189, MedGen C1832200, MONDO:0019234. Disease mechanism: loss of function.

Allele frequency attached by ClinVar (database versions not stated): gnomAD exomes below 0.00001.
gnomAD v4.1: 1 of 1,612,020 alleles (0.000062%); highest among the groups gnomAD compares: South Asian, 0.0011%; no homozygotes.

Submission:

Labcorp Genetics (formerly Invitae), Labcorp
Classification: Likely pathogenic for Peroxisome biogenesis disorder. Last evaluated: 2023-11-17. Review status: criteria provided, single submitter. Criteria: Invitae Variant Classification Sherloc (09022015). Collection method: clinical testing. Allele origin: germline.
Comment: This sequence change affects an acceptor splice site in intron 1 of the PEX6 gene. It is expected to disrupt RNA splicing. Variants that disrupt the donor or acceptor splice site typically lead to a loss of protein function (PMID: 16199547), and loss-of-function variants in PEX6 are known to be pathogenic (PMID: 10408779, 21031596, 31831025). This variant is not present in population databases (gnomAD no frequency). Disruption of this splice site has been observed in individual(s) with PEX6-related conditions (PMID: 10408779). This variant is also known as IVS1-2A>G. Algorithms developed to predict the effect of sequence changes on RNA splicing suggest that this variant may disrupt the consensus splice site. In summary, the currently available evidence indicates that the variant is pathogenic, but additional data are needed to prove that conclusively. Therefore, this variant has been classified as Likely Pathogenic.

Literature cited by the submitters: PubMed 16199547; PubMed 10408779; PubMed 21031596; PubMed 31831025.

NM_000287.4(PEX6):c.883-2A>G

Gene: PEX6 (peroxisomal biogenesis factor 6; minus strand). Cytogenetic location: 6p21.1.
Variant type: single nucleotide variant.
Coding change: c.883-2A>G on transcript NM_000287.4 (MANE Select); the canonical splice acceptor site of the intron before coding-DNA position 883, A replaced by G.
Molecular consequence: splice acceptor variant.
Genome position (GRCh38, 1-based): chr6:42,975,040, T>C on the plus strand (A>G on the coding strand, the complement: PEX6 is on the minus strand). VCF-style: chr6-42975040-T-C. GRCh37 (hg19) VCF-style: chr6-42942778-T-C.
Other names: c.619-2A>G (NM_001316313.2).
Identifiers: ClinVar variation 2734862 (VCV002734862.3), dbSNP rs267608208, ClinGen allele CA138232106.
Genomic context (GRCh38, chr6:42,975,040, plus strand): 5'-CCAGGCAGCAATGAGCAGCTTCCTTTGTCTTCAGGGGCGATGGAGCCTTCCAAGTACCTC[T>C]ATTAGAGAAATAACCACCACGTTATAACCTTCTCCTAAGGGGGCAGGCTCTAACCTGTCT-3'